The following is an entry in ClinVar:

ClinVar aggregate classification (germline): Uncertain significance. Review status: criteria provided, multiple submitters, no conflicts (2 of 4 stars). 2 submissions from 2 submitters: Uncertain significance (2). Last evaluated 2025-01-27.

Allele frequency attached by ClinVar (database versions not stated): ExAC 0.00002; TOPMed 0.00002.
gnomAD v4.1: 9 of 1,613,994 alleles (0.00056%); highest among the groups gnomAD compares: African/African-American, 0.0027%; no homozygotes.

Submissions (2):

Labcorp Genetics (formerly Invitae), Labcorp
Classification: Uncertain significance. Last evaluated: 2025-01-27. Review status: criteria provided, single submitter. Criteria: Invitae Variant Classification Sherloc (09022015). Collection method: clinical testing. Allele origin: germline.
Comment: This sequence change replaces alanine, which is neutral and non-polar, with threonine, which is neutral and polar, at codon 2128 of the CPLANE1 protein (p.Ala2128Thr). This variant is present in population databases (rs772723784, gnomAD 0.005%). This variant has not been reported in the literature in individuals affected with CPLANE1-related conditions. ClinVar contains an entry for this variant (Variation ID: 2149846). Invitae Evidence Modeling of protein sequence and biophysical properties (such as structural, functional, and spatial information, amino acid conservation, physicochemical variation, residue mobility, and thermodynamic stability) indicates that this missense variant is not expected to disrupt CPLANE1 protein function with a negative predictive value of 95%. In summary, the available evidence is currently insufficient to determine the role of this variant in disease. Therefore, it has been classified as a Variant of Uncertain Significance.

Revvity Omics, Revvity
Classification: Uncertain significance. Last evaluated: 2022-07-11. Review status: criteria provided, single submitter. Criteria: ACMG Guidelines, 2015. Collection method: clinical testing. Allele origin: germline.

NM_001384732.1(CPLANE1):c.6382G>A (p.Ala2128Thr)

Gene: CPLANE1 (ciliogenesis and planar polarity effector complex subunit 1; minus strand). Cytogenetic location: 5p13.2.
Variant type: single nucleotide variant.
Coding change: c.6382G>A on transcript NM_001384732.1 (MANE Select); coding-DNA position 6382, G replaced by A.
Protein change: p.Ala2128Thr; replaces alanine 2128 with threonine.
Molecular consequence: missense variant.
Genome position (GRCh38, 1-based): chr5:37,170,121, C>T on the plus strand (G>A on the coding strand, the complement: CPLANE1 is on the minus strand). VCF-style: chr5-37170121-C-T. GRCh37 (hg19) VCF-style: chr5-37170223-C-T.
Other names: c.6382G>A (NM_023073.3); c.6382G>A, p.Ala2128Thr (NM_023073.4); short protein forms A2128T.
Identifiers: ClinVar variation 2149846 (VCV002149846.7), dbSNP rs772723784, ClinGen allele CA3238272.